The following is an entry in ClinVar:

NM_001101.5(ACTB):c.561C>T (p.Asp187=)

Gene: ACTB (actin beta; minus strand). Cytogenetic location: 7p22.1.
Variant type: single nucleotide variant.
Coding change: c.561C>T on transcript NM_001101.5 (MANE Select); coding-DNA position 561, C replaced by T.
Protein change: p.Asp187=; no amino-acid change (aspartic acid 187 retained).
Molecular consequence: synonymous variant.
Genome position (GRCh38, 1-based): chr7:5,528,522, G>A on the plus strand (C>T on the coding strand, the complement: ACTB is on the minus strand). VCF-style: chr7-5528522-G-A. GRCh37 (hg19) VCF-style: chr7-5568153-G-A.
Identifiers: ClinVar variation 1953806 (VCV001953806.6), dbSNP rs202099951, ClinGen allele CA4146988.

ClinVar aggregate classification (germline): Likely benign. Review status: criteria provided, multiple submitters, no conflicts (2 of 4 stars). 2 submissions from 2 submitters: Likely benign (2). Last evaluated 2025-07-02.

Conditions:
ACTB-related disorder. Also called: ACTB-related condition; ACTB-related disorders.
Baraitser-Winter syndrome 1 (BRWS1). Also called: BARAITSER-WINTER SYNDROME 1, ATYPICAL; PACHYGYRIA, MENTAL RETARDATION, EPILEPSY, AND CHARACTERISTIC FACIES; MENTAL RETARDATION WITH EPILEPSY AND CHARACTERISTIC FACIES; Cerebrofrontofacial syndrome. Identifiers: Orphanet 2649, Orphanet 2995, MedGen C1855722, MONDO:0009470, OMIM 243310.

Allele frequency attached by ClinVar (database versions not stated): ExAC 0.00001; TOPMed 0.00001; gnomAD 0.00002; gnomAD exomes 0.00009.

Submissions (2):

PreventionGenetics, part of Exact Sciences
Classification: Likely benign for ACTB-related condition. Last evaluated: 2025-07-02. Review status: criteria provided, single submitter. Criteria: ACMG Guidelines, 2015. Collection method: clinical testing. Allele origin: germline.
Comment: This variant is classified as likely benign based on ACMG/AMP sequence variant interpretation guidelines (Richards et al. 2015 PMID: 25741868, with internal and published modifications).

Labcorp Genetics (formerly Invitae), Labcorp
Classification: Likely benign for Baraitser-Winter syndrome 1. Last evaluated: 2024-11-14. Review status: criteria provided, single submitter. Criteria: Invitae Variant Classification Sherloc (09022015). Collection method: clinical testing. Allele origin: germline.